The following is an entry in ClinVar:

NM_021830.5(TWNK):c.1087T>C (p.Trp363Arg)

Gene: TWNK (twinkle mtDNA helicase; plus strand). Cytogenetic location: 10q24.31.
Variant type: single nucleotide variant.
Coding change: c.1087T>C on transcript NM_021830.5 (MANE Select); coding-DNA position 1087, T replaced by C.
Protein change: p.Trp363Arg; replaces tryptophan 363 with arginine.
Molecular consequence: missense variant. On other transcripts: non-coding transcript variant (4), intron variant (3).
Genome position (GRCh38, 1-based): chr10:100,989,297, T>C. VCF-style: chr10-100989297-T-C. GRCh37 (hg19) VCF-style: chr10-102749054-T-C.
Other names: c.1087T>C, p.Trp363Arg (NM_001163812.2); c.-119-347T>C (NM_001163814.2, NM_001163813.2); c.-57-409T>C (NM_001368275.1); short protein forms W363R.
Identifiers: ClinVar variation 1308537 (VCV001308537.2), dbSNP rs2133938246, ClinGen allele CA378209812.

ClinVar aggregate classification (germline): Uncertain significance (1 of 4 stars; one submission).

Submission:

GeneDx
Classification: Uncertain significance. Last evaluated: 2020-06-22. Review status: criteria provided, single submitter. Criteria: GeneDx Variant Classification Process June 2021. Collection method: clinical testing. Allele origin: germline. Affected: yes.
Comment: In silico analysis, which includes protein predictors and evolutionary conservation, supports that this variant does not alter protein structure/function; Not observed in large population cohorts (Lek et al., 2016); This variant is associated with the following publications: (PMID: 30369941)